The following is an entry in ClinVar:

ClinVar aggregate classification (germline): Uncertain significance. Review status: criteria provided, multiple submitters, no conflicts (2 of 4 stars). 2 submissions from 2 submitters: Uncertain significance (2). Last evaluated 2025-08-26.

Allele frequency attached by ClinVar (database versions not stated): ExAC 0.00001; gnomAD 0.00001; TOPMed 0.00001.
gnomAD v4.1: 2 of 1,205,405 alleles (0.00017%); highest among the groups gnomAD compares: African/African-American, 0.0035%; no homozygotes.

Submissions (2):

GeneDx
Classification: Uncertain significance. Last evaluated: 2025-08-26. Review status: criteria provided, single submitter. Criteria: GeneDx Variant Classification Process June 2021. Collection method: clinical testing. Allele origin: germline. Affected: yes.
Comment: Not observed at significant frequency in large population cohorts (gnomAD); In silico analysis supports that this missense variant has a deleterious effect on protein structure/function; Has not been previously published as pathogenic or benign to our knowledge

Blueprint Genetics
Classification: Uncertain significance. Last evaluated: 2023-03-06. Review status: criteria provided, single submitter. Criteria: ACMG Guidelines, 2015. Collection method: clinical testing. Allele origin: germline.

NM_005120.3(MED12):c.3205G>A (p.Asp1069Asn)

Gene: MED12 (mediator complex subunit 12; plus strand). Cytogenetic location: Xq13.1.
Variant type: single nucleotide variant.
Coding change: c.3205G>A on transcript NM_005120.3 (MANE Select); coding-DNA position 3205, G replaced by A.
Protein change: p.Asp1069Asn; replaces aspartic acid 1069 with asparagine.
Molecular consequence: missense variant.
Genome position (GRCh38, 1-based): chrX:71,128,116, G>A. VCF-style: chrX-71128116-G-A. GRCh37 (hg19) VCF-style: chrX-70347966-G-A.
Other names: short protein forms D1069N.
Identifiers: ClinVar variation 2571798 (VCV002571798.3), dbSNP rs770988288, ClinGen allele CA10444454.